The following is an entry in ClinVar:

NM_000501.4(ELN):c.2051G>A (p.Gly684Asp)

Gene: ELN (elastin; plus strand). Cytogenetic location: 7q11.23.
Variant type: single nucleotide variant.
Coding change: c.2051G>A on transcript NM_000501.4 (MANE Select); coding-DNA position 2051, G replaced by A.
Protein change: p.Gly684Asp; replaces glycine 684 with aspartic acid.
Molecular consequence: missense variant. On other transcripts: intron variant (6).
Genome position (GRCh38, 1-based): chr7:74,065,962, G>A. VCF-style: chr7-74065962-G-A. GRCh37 (hg19) VCF-style: chr7-73480292-G-A.
Other names: c.1994G>A, p.Gly665Asp (NM_001081755.3); c.1808G>A, p.Gly603Asp (NM_001278913.2); c.1979G>A, p.Gly660Asp (NM_001278914.2); c.2069G>A, p.Gly690Asp (NM_001278915.2); c.2021G>A, p.Gly674Asp (NM_001278917.2); c.2237G>A, p.Gly746Asp (NM_001278939.2); c.2047+230G>A (NM_001081754.3); c.1990+230G>A (NM_001081753.3); and 5 more; short protein forms G684D, G603D, G660D, G665D, G746D, G674D, G690D.
Identifiers: ClinVar variation 1523984 (VCV001523984.9), dbSNP rs150984896, ClinGen allele CA4293363.

ClinVar aggregate classification (germline): Uncertain significance. Review status: criteria provided, multiple submitters, no conflicts (2 of 4 stars). 2 submissions from 2 submitters: Uncertain significance (2). Last evaluated 2025-12-16.

Conditions:
Inborn genetic diseases. Identifiers: MedGen C0950123, MeSH D030342.
Supravalvar aortic stenosis (SVAS). Also called: Supravalvar aortic stenosis, Eisenberg type. Identifiers: Orphanet 3193, MedGen C0003499, MONDO:0008504, OMIM 185500, HP:0004381.

Allele frequency attached by ClinVar (database versions not stated): gnomAD exomes below 0.00001 and 0.00002; ExAC 0.00004; TOPMed 0.00004; gnomAD 0.00005 and 0.00008; ESP Exome Variant Server 0.00031.
gnomAD v4.1: 11 of 1,613,976 alleles (0.00068%); highest among the groups gnomAD compares: African/African-American, 0.013%; no homozygotes.

Submissions (2):

Labcorp Genetics (formerly Invitae), Labcorp
Classification: Uncertain significance for Supravalvar aortic stenosis. Last evaluated: 2025-12-16. Review status: criteria provided, single submitter. Criteria: Invitae Variant Classification Sherloc (09022015). Collection method: clinical testing. Allele origin: germline.
Comment: This sequence change replaces glycine, which is neutral and non-polar, with aspartic acid, which is acidic and polar, at codon 746 of the ELN protein (p.Gly746Asp). This variant is present in population databases (rs150984896, gnomAD 0.03%). This variant has not been reported in the literature in individuals affected with ELN-related conditions. ClinVar contains an entry for this variant (Variation ID: 1523984). Invitae Evidence Modeling of protein sequence and biophysical properties (such as structural, functional, and spatial information, amino acid conservation, physicochemical variation, residue mobility, and thermodynamic stability) indicates that this missense variant is not expected to disrupt ELN protein function with a negative predictive value of 80%. In summary, the available evidence is currently insufficient to determine the role of this variant in disease. Therefore, it has been classified as a Variant of Uncertain Significance.

Ambry Genetics
Classification: Uncertain significance for Inborn genetic diseases. Last evaluated: 2023-12-26. Review status: criteria provided, single submitter. Criteria: Ambry Variant Classification Scheme 2023. Collection method: clinical testing. Allele origin: germline.